The following is an entry in ClinVar:

ClinVar aggregate classification (germline): Pathogenic (1 of 4 stars; one submission).

Conditions:
Inborn genetic diseases. Identifiers: MedGen C0950123, MeSH D030342.
Bainbridge-Ropers syndrome. Also called: Severe feeding difficulties-failure to thrive-microcephaly due to ASXL3 deficiency syndrome. Identifiers: Orphanet 352577, MedGen C4750837, MONDO:0014205, OMIM 615485.

Submission:

Ambry Genetics
Classification: Pathogenic for Inborn genetic diseases. Last evaluated: 2016-09-14. Review status: criteria provided, single submitter. Criteria: Ambry exome assertion method (8-5-2015). Collection method: clinical testing. Allele origin: germline. Affected: yes. Observed: 1 variant allele.

NM_030632.3(ASXL3):c.1354del (p.Glu452fs)

Gene: ASXL3 (ASXL transcriptional regulator 3; plus strand). Cytogenetic location: 18q12.1.
Variant type: Deletion.
Coding change: c.1354del on transcript NM_030632.3 (MANE Select); coding-DNA position 1354, one base deleted (G; older notation c.1354delG).
Protein change: p.Glu452fs; shifts the reading frame from glutamic acid 452.
Molecular consequence: frameshift variant.
Genome position (GRCh38, 1-based): chr18:33,738,758, G deleted; the last of 2 consecutive G bases (chr18:33,738,757-33,738,758); deleting either gives the same sequence. VCF-style (leftmost placement, unchanged base first): chr18-33738756-AG-A. GRCh37 (hg19) VCF-style: chr18-31318720-AG-A.
Other names: c.1354delG (NM_030632.3); short protein forms E452fs.
Identifiers: ClinVar variation 521261 (VCV000521261.4), dbSNP rs1555742087, ClinGen allele CA658799025.